The following is an entry in ClinVar:

NM_022369.4(STRA6):c.785G>T (p.Ser262Ile)

Gene: STRA6 (signaling receptor and transporter of retinol STRA6; minus strand). Cytogenetic location: 15q24.1.
Variant type: single nucleotide variant.
Coding change: c.785G>T on transcript NM_022369.4 (MANE Select); coding-DNA position 785, G replaced by T.
Protein change: p.Ser262Ile; replaces serine 262 with isoleucine.
Molecular consequence: missense variant.
Genome position (GRCh38, 1-based): chr15:74,191,427, C>A on the plus strand (G>T on the coding strand, the complement: STRA6 is on the minus strand). VCF-style: chr15-74191427-C-A. GRCh37 (hg19) VCF-style: chr15-74483768-C-A.
Other names: c.785G>T, p.Ser262Ile (NM_001142617.2, NM_001142618.2); c.758G>T, p.Ser253Ile (NM_001142619.2); c.896G>T, p.Ser299Ile (NM_001199040.2); c.830G>T, p.Ser277Ile (NM_001199041.2); c.902G>T, p.Ser301Ile (NM_001199042.2); short protein forms S301I, S277I, S299I, S253I, S262I.
Identifiers: ClinVar variation 931117 (VCV000931117.3), dbSNP rs1480965495, ClinGen allele CA393135649.

ClinVar aggregate classification (germline): Uncertain significance (1 of 4 stars; one submission).

Conditions:
Microphthalmia, syndromic 9. Also called: ANOPHTHALMIA/MICROPHTHALMIA AND PULMONARY HYPOPLASIA; ANOPHTHALMIA, CLINICAL, WITH MILD FACIAL DYSMORPHISM AND VARIABLE MALFORMATIONS OF THE LUNG, HEART, AND DIAPHRAGM; PULMONARY AGENESIS, MICROPHTHALMIA, AND DIAPHRAGMATIC DEFECT; SPEAR SYNDROME; Matthew-Wood syndrome. Identifiers: Orphanet 2470, MedGen C1832661, MONDO:0011010, OMIM 601186.

Submission:

Centre for Mendelian Genomics, University Medical Centre Ljubljana
Classification: Uncertain significance for Microphthalmia, syndromic 9. Last evaluated: 2016-01-01. Review status: criteria provided, single submitter. Criteria: ACMG Guidelines, 2015. Collection method: clinical testing. Allele origin: unknown. Affected: yes.
Comment: This variant was classified as: Uncertain significance.